The following is an entry in ClinVar:

ClinVar aggregate classification (somatic clinical impact): Tier I - Strong (1 of 4 stars; one submission).

Conditions:
Embryonal rhabdomyosarcoma (ERMS). Also called: Botryoid rhabdomyosarcoma (type of ERMS); Spindle cell rhabdomyosarcomas (type of ERMS). Identifiers: Orphanet 99757, MedGen C0206656, MONDO:0009993, HP:0006743.

Submission:

Institute for Genomic Medicine (IGM) Clinical Laboratory, Nationwide Children's Hospital
Classification: Tier I - Strong for Embryonal rhabdomyosarcoma. Assertion type: diagnostic. Clinical significance: supports diagnosis. Last evaluated: 2023-10-09. Review status: criteria provided, single submitter. Criteria: AMP/ASCO/CAP Guidelines, 2017. Collection method: clinical testing. Allele origin: somatic. Affected: yes.
Comment: Variant has Tier I (strong) clinical significance as a diagnostic inclusion criterion in embryonal rhabdomyosarcoma, based on the following evidence: 1) Diagnostic for a specific tumor type/classification based on well-powered studies with expert-level consensus (Evidence Level B; PMIDs: 34166060, 24436047, 26138366, 21412928, 8703847).

Literature cited by the submitters: PubMed 34166060; PubMed 24436047; PubMed 26138366; PubMed 21412928; PubMed 8703847.

NM_000077.5(CDKN2A):c.290_319del (p.Leu97_Val106del)

Gene: CDKN2A (cyclin dependent kinase inhibitor 2A; minus strand). Cytogenetic location: 9p21.3.
Variant type: Deletion.
Coding change: c.290_319del on transcript NM_000077.5; coding-DNA positions 290 to 319, 30 bases deleted (TGCACCGGGCCGGGGCGCGGCTGGACGTGC).
Protein change: p.Leu97_Val106del.
Molecular consequence: inframe indel (on NM_000077.6). On other transcripts: inframe deletion (3), 3 prime UTR variant (1).
Genome position (GRCh38, 1-based): chr9:21,971,040-21,971,069, GCACGTCCAGCCGCGCCCCGGCCCGGTGCA deleted on the plus strand (TGCACCGGGCCGGGGCGCGGCTGGACGTGC on the coding strand, the reverse complement: CDKN2A is on the minus strand); deleting any 30 consecutive bases within chr9:21,971,040-21,971,073 gives the same sequence; the c. name uses the placement nearest the transcript's 3' end. VCF-style (leftmost placement, unchanged base first): chr9-21971039-CGCACGTCCAGCCGCGCCCCGGCCCGGTGCA-C. GRCh37 (hg19) VCF-style: chr9-21971038-CGCACGTCCAGCCGCGCCCCGGCCCGGTGCA-C.
Other names: c.286_315del30, p.Leu97_Val106del (NM_000077.6); c.290_319del, p.Leu97_Val106del (NM_001195132.2); c.137_166del, p.Leu46_Val55del (NM_001363763.2); c.333_362del, p.Ala112_Ala121del (NM_058195.4); c.*213_*242del (NM_058197.5).
Identifiers: ClinVar variation 4530103 (VCV004530103.1).